The following is an entry in ClinVar:

NM_033004.4(NLRP1):c.447A>G (p.Arg149=)

Gene: NLRP1 (NLR family pyrin domain containing 1; minus strand). Cytogenetic location: 17p13.2.
Variant type: single nucleotide variant.
Coding change: c.447A>G on transcript NM_033004.4 (MANE Select); coding-DNA position 447, A replaced by G.
Protein change: p.Arg149=; no amino-acid change (arginine 149 retained).
Molecular consequence: synonymous variant.
Genome position (GRCh38, 1-based): chr17:5,582,671, T>C on the plus strand (A>G on the coding strand, the complement: NLRP1 is on the minus strand). VCF-style: chr17-5582671-T-C. GRCh37 (hg19) VCF-style: chr17-5485991-T-C.
Other names: c.447A>G, p.Arg149= (NM_033006.4, NM_033007.4, NM_001033053.3 and 1 more transcripts).
Identifiers: ClinVar variation 2024456 (VCV002024456.4), dbSNP rs2508129895, ClinGen allele CA497577637.

ClinVar aggregate classification (germline): Uncertain significance (1 of 4 stars; one submission).

Submission:

Labcorp Genetics (formerly Invitae), Labcorp
Classification: Uncertain significance. Last evaluated: 2025-10-21. Review status: criteria provided, single submitter. Criteria: Invitae Variant Classification Sherloc (09022015). Collection method: clinical testing. Allele origin: germline.
Comment: This sequence change affects codon 149 of the NLRP1 mRNA. It is a 'silent' change, meaning that it does not change the encoded amino acid sequence of the NLRP1 protein. It affects a nucleotide within the consensus splice site. This variant is not present in population databases (gnomAD no frequency). This variant has not been reported in the literature in individuals affected with NLRP1-related conditions. ClinVar contains an entry for this variant (Variation ID: 2024456). Algorithms developed to predict the effect of sequence changes on RNA splicing suggest that this variant may disrupt the consensus splice site. In summary, the available evidence is currently insufficient to determine the role of this variant in disease. Therefore, it has been classified as a Variant of Uncertain Significance.